The following is an entry in ClinVar:

ClinVar aggregate classification (germline): Uncertain significance (1 of 4 stars; one submission).

Allele frequency attached by ClinVar (database versions not stated): TOPMed below 0.00001; gnomAD 0.00001.

Submission:

Labcorp Genetics (formerly Invitae), Labcorp
Classification: Uncertain significance. Last evaluated: 2022-07-26. Review status: criteria provided, single submitter. Criteria: Invitae Variant Classification Sherloc (09022015). Collection method: clinical testing. Allele origin: germline.
Comment: This sequence change replaces proline, which is neutral and non-polar, with leucine, which is neutral and non-polar, at codon 1168 of the PTPN23 protein (p.Pro1168Leu). This variant is present in population databases (no rsID available, gnomAD 0.007%). This variant has not been reported in the literature in individuals affected with PTPN23-related conditions. ClinVar contains an entry for this variant (Variation ID: 1475082). Algorithms developed to predict the effect of missense changes on protein structure and function are either unavailable or do not agree on the potential impact of this missense change (SIFT: "Tolerated"; PolyPhen-2: "Probably Damaging"; Align-GVGD: "Class C0"). In summary, the available evidence is currently insufficient to determine the role of this variant in disease. Therefore, it has been classified as a Variant of Uncertain Significance.

NM_015466.4(PTPN23):c.3503C>T (p.Pro1168Leu)

Gene: PTPN23 (protein tyrosine phosphatase non-receptor type 23; plus strand). Cytogenetic location: 3p21.31.
Variant type: single nucleotide variant.
Coding change: c.3503C>T on transcript NM_015466.4 (MANE Select); coding-DNA position 3503, C replaced by T.
Protein change: p.Pro1168Leu; replaces proline 1168 with leucine.
Molecular consequence: missense variant.
Genome position (GRCh38, 1-based): chr3:47,411,301, C>T. VCF-style: chr3-47411301-C-T. GRCh37 (hg19) VCF-style: chr3-47452791-C-T.
Other names: c.3125C>T, p.Pro1042Leu (NM_001304482.2); short protein forms P1168L, P1042L.
Identifiers: ClinVar variation 1475082 (VCV001475082.3), dbSNP rs1186524277, ClinGen allele CA352562472.